The following is an entry in ClinVar:

ClinVar aggregate classification (germline): Uncertain significance (1 of 4 stars; one submission).

Allele frequency attached by ClinVar (database versions not stated): ExAC 0.00003; TOPMed 0.00003; ESP Exome Variant Server 0.00015.
gnomAD v4.1: 17 of 1,614,096 alleles (0.0011%); highest among the groups gnomAD compares: African/African-American, 0.004%; no homozygotes.

Submission:

Labcorp Genetics (formerly Invitae), Labcorp
Classification: Uncertain significance. Last evaluated: 2022-07-02. Review status: criteria provided, single submitter. Criteria: Invitae Variant Classification Sherloc (09022015). Collection method: clinical testing. Allele origin: germline.
Comment: Algorithms developed to predict the effect of missense changes on protein structure and function output the following: SIFT: "Tolerated"; PolyPhen-2: "Benign"; Align-GVGD: "Class C0". The valine amino acid residue is found in multiple mammalian species, which suggests that this missense change does not adversely affect protein function. In summary, the available evidence is currently insufficient to determine the role of this variant in disease. Therefore, it has been classified as a Variant of Uncertain Significance. This variant has not been reported in the literature in individuals affected with APTX-related conditions. This variant is present in population databases (rs143309173, gnomAD 0.003%). This sequence change replaces isoleucine, which is neutral and non-polar, with valine, which is neutral and non-polar, at codon 124 of the APTX protein (p.Ile124Val).

NM_001195248.2(APTX):c.370A>G (p.Ile124Val)

Gene: APTX (aprataxin; minus strand). Cytogenetic location: 9p21.1.
Variant type: single nucleotide variant.
Coding change: c.370A>G on transcript NM_001195248.2 (MANE Select); coding-DNA position 370, A replaced by G.
Protein change: p.Ile124Val; replaces isoleucine 124 with valine.
Molecular consequence: missense variant. On other transcripts: non-coding transcript variant (13), intron variant (1).
Genome position (GRCh38, 1-based): chr9:32,987,657, T>C on the plus strand (A>G on the coding strand, the complement: APTX is on the minus strand). VCF-style: chr9-32987657-T-C. GRCh37 (hg19) VCF-style: chr9-32987655-T-C.
Other names: c.370A>G, p.Ile124Val (NM_001195249.2, NM_001195251.2, NM_001368995.1 and 6 more transcripts); c.208A>G, p.Ile70Val (NM_001195250.2, NM_001195254.2, NM_001369000.1 and 1 more transcripts); c.106A>G, p.Ile36Val (NM_001369002.1, NM_001369003.1, NM_001369004.1 and 5 more transcripts); c.-153A>G (NM_175071.1); c.267+103A>G (NM_001195252.2); short protein forms I124V, I36V, I70V.
Identifiers: ClinVar variation 2161388 (VCV002161388.4), dbSNP rs143309173, ClinGen allele CA5022528.
Genomic context (GRCh38, chr9:32,987,657, plus strand): 5'-AGTTGCTCCCAGGTTCCAGCCCTGTCCCAGCCTCAGCTTCCTGAGCAGCATCCCTTTCTA[T>C]AGAATCACTGTTGCCTGATCTCTTTCTCTTCCTGTGTGTTTCCAGGCCAGGGTTCTTTGC-3'
Protein context (NP_001182177.2, residues 114-134): KRKRSGNSDS[Ile124Val]ERDAAQEAEA